The following is an entry in ClinVar:

NM_001365276.2(TNXB):c.7492+8G>A

Gene: TNXB (tenascin XB; minus strand). Cytogenetic location: 6p21.33.
Variant type: single nucleotide variant.
Coding change: c.7492+8G>A on transcript NM_001365276.2 (MANE Select); 8 bases into the intron after coding-DNA position 7492, G replaced by A.
Molecular consequence: intron variant.
Genome position (GRCh38, 1-based): chr6:32,061,389, C>T on the plus strand (G>A on the coding strand, the complement: TNXB is on the minus strand). VCF-style: chr6-32061389-C-T. GRCh37 (hg19) VCF-style: chr6-32029166-C-T.
Other names: p.?; c.7492+8G>A (NM_019105.8).
Identifiers: ClinVar variation 1190129 (VCV001190129.8), dbSNP rs191329297, ClinGen allele CA3734137.

ClinVar aggregate classification (germline): Benign/Likely benign. Review status: criteria provided, multiple submitters, no conflicts (2 of 4 stars). 5 submissions from 5 submitters: Benign (2); Likely benign (3). Last evaluated 2026-06-15.

Conditions:
Ehlers-Danlos syndrome (EDS). Identifiers: Orphanet 98249, MedGen C0013720, MONDO:0020066.

Allele frequency attached by ClinVar (database versions not stated): gnomAD exomes 0.00052 and 0.00185; gnomAD 0.00059 and 0.00079; TOPMed 0.00102; ExAC 0.00185; 1000 Genomes Project 0.00479; 1000 Genomes Project 30x 0.00515.
gnomAD v4.1: 874 of 1,611,196 alleles (0.054%); highest among the groups gnomAD compares: East Asian, 1.9%; 6 homozygotes.

Submissions (5):

Women's Health and Genetics/Laboratory Corporation of America, LabCorp
Classification: Benign. Last evaluated: 2026-06-15. Review status: criteria provided, single submitter. Criteria: LabCorp Variant Classification Summary - May 2015. Collection method: clinical testing. Allele origin: germline.

Labcorp Genetics (formerly Invitae), Labcorp
Classification: Benign. Last evaluated: 2026-01-28. Review status: criteria provided, single submitter. Criteria: Invitae Variant Classification Sherloc (09022015). Collection method: clinical testing. Allele origin: germline.

Mayo Clinic Laboratories, Mayo Clinic
Classification: Likely benign. Last evaluated: 2025-05-30. Review status: criteria provided, single submitter. Criteria: ACMG Guidelines, 2015. Collection method: clinical testing. Allele origin: germline. Observed: 2 variant alleles.
Comment: BS1, BP4, BP7

Genome Diagnostics Laboratory, The Hospital for Sick Children
Classification: Likely benign for Ehlers-Danlos syndrome. Last evaluated: 2019-11-01. Review status: criteria provided, single submitter. Criteria: ACMG Guidelines, 2015. Collection method: clinical testing. Allele origin: germline.

GeneDx
Classification: Likely benign. Last evaluated: 2019-05-24. Review status: criteria provided, single submitter. Criteria: GeneDx Variant Classification Process June 2021. Collection method: clinical testing. Allele origin: germline. Affected: yes.